The following is an entry in ClinVar:

ClinVar aggregate classification (germline): Uncertain significance. Review status: criteria provided, multiple submitters, no conflicts (2 of 4 stars). 4 submissions from 4 submitters: Uncertain significance (3). 1 of the submissions does not count toward it. Last evaluated 2025-10-24.

Conditions:
Familial hypobetalipoproteinemia 1. Also called: Hypobetalipoproteinemia, normotriglyceridemic; Acanthocytosis with hypobetalipoproteinemia; APOB-Related Familial Hypobetalipoproteinemia. Identifiers: MedGen C4551990, MONDO:0014252, OMIM 615558.
Hypercholesterolemia, familial, 1. Also called: LDL RECEPTOR DISORDER; Hyperlipoproteinemia Type IIa; HYPER-LOW-DENSITY-LIPOPROTEINEMIA; HYPERCHOLESTEROLEMIC XANTHOMATOSIS, FAMILIAL; Fredrickson type IIa hyperlipoproteinemia; Hyperlipoproteinemia type 2. Identifiers: Orphanet 391665, MedGen C0745103, MONDO:0007750, OMIM 143890.
Cardiovascular phenotype. Identifiers: MedGen CN230736.

Allele frequency attached by ClinVar (database versions not stated): gnomAD exomes below 0.00001; gnomAD 0.00001.
gnomAD v4.1: 4 of 1,606,184 alleles (0.00025%); highest among the groups gnomAD compares: Middle Eastern, 0.017%; no homozygotes.

Submissions (4):

Ambry Genetics
Classification: Uncertain significance for Cardiovascular phenotype. Last evaluated: 2025-10-24. Review status: criteria provided, single submitter. Criteria: Ambry Variant Classification Scheme 2023. Collection method: clinical testing. Allele origin: germline.
Comment: The p.C4353* variant (also known as c.13059C>A), located in coding exon 29 of the APOB gene, results from a C to A substitution at nucleotide position 13059. This changes the amino acid from a cysteine to a stop codon within coding exon 29. This alteration occurs at the 3' terminus of the gene, is not expected to trigger nonsense-mediated mRNAdecay, and impacts the last 4.6% of the protein. The exact functional effect of this alteration is unknown. This variant was reported in individual(s) with features consistent with familial hypercholesterolemia (Ambry internal data). Based on the available evidence, the clinical significance of this variant remains unclear.

Genomic Medicine Center of Excellence, King Faisal Specialist Hospital and Research Centre
Classification: Uncertain significance for Familial hypobetalipoproteinemia 1. Last evaluated: 2024-03-29. Review status: criteria provided, single submitter. Criteria: ACMG Guidelines, 2015. Collection method: clinical testing. Allele origin: germline.

Baylor Genetics
Classification: Uncertain significance for Familial hypobetalipoproteinemia 1. Last evaluated: 2019-09-27. Review status: criteria provided, single submitter. Criteria: ACMG Guidelines, 2015. Collection method: clinical testing. Allele origin: unknown. Affected: yes.
Comment: This variant was determined to be of uncertain significance according to ACMG Guidelines, 2015 [PMID:25741868].

Biochemical Molecular Genetic Laboratory, King Abdulaziz Medical City
Classification: Pathogenic for Hypercholesterolemia, familial, 1. Last evaluated: 2020-02-05. Review status: no assertion criteria provided. Collection method: clinical testing. Allele origin: germline. Affected: yes. Not counted in ClinVar's aggregate classification.

Literature cited by the submitters: PubMed 30076208 (cited by Ambry Genetics).

NM_000384.3(APOB):c.13059C>A (p.Cys4353Ter)

Gene: APOB (apolipoprotein B; minus strand). Cytogenetic location: 2p24.1.
Variant type: single nucleotide variant.
Coding change: c.13059C>A on transcript NM_000384.3 (MANE Select); coding-DNA position 13059, C replaced by A.
Protein change: p.Cys4353Ter; replaces cysteine 4353 with a stop codon.
Molecular consequence: nonsense.
Genome position (GRCh38, 1-based): chr2:21,002,363, G>T on the plus strand (C>A on the coding strand, the complement: APOB is on the minus strand). VCF-style: chr2-21002363-G-T. GRCh37 (hg19) VCF-style: chr2-21225235-G-T.
Other names: short protein forms C4353*.
Identifiers: ClinVar variation 828175 (VCV000828175.4), dbSNP rs935792706, ClinGen allele CA345969607.
Genomic context (GRCh38, chr2:21,002,363, plus strand): 5'-CTCTTGAGAAGCTTCCTGAAGCTCGTTTTGAATAAATTCATTGAACTTATGAAGATTAAG[G>T]CATAGGTTTTCTTTCAACAATTTAAAAACATATGGGATATAATCACTGAAGATTGTGTTG-3'